The following is an entry in ClinVar:

ClinVar aggregate classification (germline): Conflicting classifications of pathogenicity. Review status: criteria provided, conflicting classifications (1 of 4 stars). 7 submissions from 7 submitters: Uncertain significance (5); Likely benign (2). Last evaluated 2026-01-28.

Conditions:
Hereditary cancer. Identifiers: MedGen C1333600.
Charcot-Marie-Tooth disease. Also called: Charcot-Marie-Tooth Hereditary Neuropathy; Charcot-Marie-Tooth Neuropathy. Identifiers: Orphanet 166, MedGen C0007959, MONDO:0015626.
Charcot-Marie-Tooth disease type 2. Also called: Charcot-Marie-Tooth type 2. Identifiers: Orphanet 64746, MedGen C0270914, MONDO:0018993.
Charcot-Marie-Tooth disease type 2A1. Also called: CHARCOT-MARIE-TOOTH DISEASE, AXONAL, AUTOSOMAL DOMINANT, TYPE 2A1; CHARCOT-MARIE-TOOTH DISEASE, NEURONAL, TYPE 2A1; CHARCOT-MARIE-TOOTH NEUROPATHY, TYPE 2A1; CHARCOT-MARIE-TOOTH DISEASE, AXONAL, TYPE 2A1; HEREDITARY MOTOR AND SENSORY NEUROPATHY IIA1. Identifiers: Orphanet 99946, MedGen C1861678, MONDO:0007308, OMIM 118210.

Allele frequency attached by ClinVar (database versions not stated): gnomAD exomes 0.00042 and 0.00014; ExAC 0.00009; 1000 Genomes Project 30x 0.00016; TOPMed 0.00022; gnomAD 0.00023 and 0.00024; ESP Exome Variant Server 0.00031.
gnomAD v4.1: 645 of 1,613,826 alleles (0.04%); highest among the groups gnomAD compares: Non-Finnish European, 0.052%; no homozygotes.

Submissions (7):

Labcorp Genetics (formerly Invitae), Labcorp
Classification: Uncertain significance for Charcot-Marie-Tooth disease type 2. Last evaluated: 2026-01-28. Review status: criteria provided, single submitter. Criteria: Invitae Variant Classification Sherloc (09022015). Collection method: clinical testing. Allele origin: germline.
Comment: This sequence change replaces threonine, which is neutral and polar, with isoleucine, which is neutral and non-polar, at codon 674 of the KIF1B protein (p.Thr674Ile). This variant is present in population databases (rs41274468, gnomAD 0.03%), and has an allele count higher than expected for a pathogenic variant. This missense change has been observed in individual(s) with Charcot-Marie-Tooth disease (PMID: 29590070, 32376792). ClinVar contains an entry for this variant (Variation ID: 408312). Invitae Evidence Modeling of protein sequence and biophysical properties (such as structural, functional, and spatial information, amino acid conservation, physicochemical variation, residue mobility, and thermodynamic stability) indicates that this missense variant is not expected to disrupt KIF1B protein function with a negative predictive value of 80%. In summary, the available evidence is currently insufficient to determine the role of this variant in disease. Therefore, it has been classified as a Variant of Uncertain Significance.

Mendelics
Classification: Likely benign for Hereditary cancer. Last evaluated: 2025-02-26. Review status: criteria provided, single submitter. Criteria: ACMG Guidelines, 2015. Collection method: clinical testing. Allele origin: unknown.
Comment: This variant is considered likely benign or benign based on one or more of the following: it is predicted to be benign by multiple in silico algorithms, and/or has population frequency not consistent with disease, and/or has normal protein function, and/or has lack of segregation with disease, and/or has been detected in co-occurrence with known pathogenic variant, and/or has lack of disease association in case-control studies, and/or is located in a region inconsistent with a known cause of pathogenicity.

CeGaT Center for Human Genetics Tuebingen
Classification: Uncertain significance. Last evaluated: 2023-02-01. Review status: criteria provided, single submitter. Criteria: CeGaT Center For Human Genetics Tuebingen Variant Classification Criteria Version 2. Collection method: clinical testing. Allele origin: germline. Affected: yes. Observed: 1 variant allele.

Mayo Clinic Laboratories, Mayo Clinic
Classification: Uncertain significance. Last evaluated: 2020-10-16. Review status: criteria provided, single submitter. Criteria: ACMG Guidelines, 2015. Collection method: clinical testing. Allele origin: germline. Observed: 1 variant allele.

Ambry Genetics
Classification: Likely benign. Last evaluated: 2020-07-06. Review status: criteria provided, single submitter. Criteria: Ambry Variant Classification Scheme 2023. Collection method: clinical testing. Allele origin: germline.

Center for Precision Medicine, Vanderbilt University Medical Center
Classification: Uncertain significance for Charcot-Marie-Tooth disease type 2A1. Last evaluated: 2018-03-16. Review status: criteria provided, single submitter. Criteria: ACMG Guidelines, 2015. Collection method: research. Allele origin: germline. Inheritance: Autosomal dominant inheritance. Observed: 21 variant alleles, 21 heterozygotes. Clinical features observed: Hammer toe, inflammatory and neurotoxic neuropathy, abnormality of gait, disturbance of skin sensation, peripheral neuropathy.

Molecular Genetics Laboratory, London Health Sciences Centre
Classification: Uncertain significance for Charcot-Marie-Tooth disease. Review status: criteria provided, single submitter. Criteria: ACMG Guidelines, 2015. Collection method: clinical testing. Allele origin: germline. Affected: yes.

Literature cited by the submitters: PubMed 29590070 (cited by Labcorp Genetics (formerly Invitae), Labcorp); PubMed 32376792 (cited by Labcorp Genetics (formerly Invitae), Labcorp).

NM_001365951.3(KIF1B):c.2159C>T (p.Thr720Ile)

Gene: KIF1B (kinesin family member 1B; plus strand). Cytogenetic location: 1p36.22.
Variant type: single nucleotide variant.
Coding change: c.2159C>T on transcript NM_001365951.3 (MANE Select); coding-DNA position 2159, C replaced by T.
Protein change: p.Thr720Ile; replaces threonine 720 with isoleucine.
Molecular consequence: missense variant.
Genome position (GRCh38, 1-based): chr1:10,320,086, C>T. VCF-style: chr1-10320086-C-T. GRCh37 (hg19) VCF-style: chr1-10380144-C-T.
Other names: c.2159C>T, p.Thr720Ile (NM_001365952.1); c.2021C>T, p.Thr674Ile (NM_015074.3); short protein forms T674I, T720I.
Identifiers: ClinVar variation 408312 (VCV000408312.47), dbSNP rs41274468, ClinGen allele CA581460.